The following is an entry in ClinVar:

NM_000463.3(UGT1A1):c.757G>T (p.Val253Phe)

Genes: UGT1A (UDP glucuronosyltransferase family 1 member A complex locus; plus strand), UGT1A1 (UDP glucuronosyltransferase family 1 member A1; plus strand), UGT1A10 (UDP glucuronosyltransferase family 1 member A10; plus strand), UGT1A3 (UDP glucuronosyltransferase family 1 member A3; plus strand), UGT1A4 (UDP glucuronosyltransferase family 1 member A4; plus strand) and 5 more. Cytogenetic location: 2q37.1.
Variant type: single nucleotide variant.
Coding change: c.757G>T on transcript NM_000463.3 (MANE Select); coding-DNA position 757, G replaced by T.
Protein change: p.Val253Phe; replaces valine 253 with phenylalanine.
Molecular consequence: missense variant. On other transcripts: intron variant (9).
Genome position (GRCh38, 1-based): chr2:233,761,044, G>T. VCF-style: chr2-233761044-G-T. GRCh37 (hg19) VCF-style: chr2-234669690-G-T.
Other names: c.856-5990G>T (NM_019076.5, NM_019075.4, NM_021027.3 and 1 more transcripts); c.61-5990G>T (NM_205862.3); c.862-5990G>T (NM_001072.4); c.868-5990G>T (NM_019078.2, NM_007120.3, NM_019093.4); short protein forms V253F.
Identifiers: ClinVar variation 2415349 (VCV002415349.6), dbSNP rs1697654904, ClinGen allele CA351068224.

ClinVar aggregate classification (germline): Uncertain significance (1 of 4 stars; one submission).

Submission:

Labcorp Genetics (formerly Invitae), Labcorp
Classification: Uncertain significance. Last evaluated: 2022-08-31. Review status: criteria provided, single submitter. Criteria: Invitae Variant Classification Sherloc (09022015). Collection method: clinical testing. Allele origin: germline.
Comment: In summary, the available evidence is currently insufficient to determine the role of this variant in disease. Therefore, it has been classified as a Variant of Uncertain Significance. Algorithms developed to predict the effect of missense changes on protein structure and function are either unavailable or do not agree on the potential impact of this missense change (SIFT: "Not Available"; PolyPhen-2: "Possibly Damaging"; Align-GVGD: "Not Available"). This variant has not been reported in the literature in individuals affected with UGT1A1-related conditions. This variant is not present in population databases (gnomAD no frequency). This sequence change replaces valine, which is neutral and non-polar, with phenylalanine, which is neutral and non-polar, at codon 253 of the UGT1A1 protein (p.Val253Phe).